The following is an entry in ClinVar:

ClinVar aggregate classification (germline): Uncertain significance (1 of 4 stars; one submission).

Conditions:
Hereditary cancer-predisposing syndrome. Also called: Tumor predisposition; Neoplastic Syndromes, Hereditary; Hereditary Cancer Syndrome; Hereditary neoplastic syndrome. Identifiers: Orphanet 140162, MedGen C0027672, MeSH D009386, MONDO:0015356.

Submission:

Ambry Genetics
Classification: Uncertain significance for Hereditary cancer-predisposing syndrome. Last evaluated: 2024-08-05. Review status: criteria provided, single submitter. Criteria: Ambry Variant Classification Scheme 2023. Collection method: clinical testing. Allele origin: germline.
Comment: The p.M88L variant (also known as c.262A>T), located in coding exon 2 of the FH gene, results from an A to T substitution at nucleotide position 262. The methionine at codon 88 is replaced by leucine, an amino acid with highly similar properties. This amino acid position is highly conserved in available vertebrate species. In addition, this alteration is predicted to be deleterious by in silico analysis. Based on the available evidence, the clinical significance of this variant remains unclear.

NM_000143.4(FH):c.262A>T (p.Met88Leu)

Gene: FH (fumarate hydratase; minus strand). Cytogenetic location: 1q43.
Variant type: single nucleotide variant.
Coding change: c.262A>T on transcript NM_000143.4 (MANE Select); coding-DNA position 262, A replaced by T.
Protein change: p.Met88Leu; replaces methionine 88 with leucine.
Molecular consequence: missense variant.
Genome position (GRCh38, 1-based): chr1:241,517,187, T>A on the plus strand (A>T on the coding strand, the complement: FH is on the minus strand). VCF-style: chr1-241517187-T-A. GRCh37 (hg19) VCF-style: chr1-241680487-T-A.
Other names: short protein forms M88L.
Identifiers: ClinVar variation 3515087 (VCV003515087.1).